The following is an entry in ClinVar:

NM_021008.4(DEAF1):c.1523G>A (p.Gly508Asp)

Gene: DEAF1 (DEAF1 transcription factor; minus strand). Cytogenetic location: 11p15.5.
Variant type: single nucleotide variant.
Coding change: c.1523G>A on transcript NM_021008.4 (MANE Select); coding-DNA position 1523, G replaced by A.
Protein change: p.Gly508Asp; replaces glycine 508 with aspartic acid.
Molecular consequence: missense variant.
Genome position (GRCh38, 1-based): chr11:654,032, C>T on the plus strand (G>A on the coding strand, the complement: DEAF1 is on the minus strand). VCF-style: chr11-654032-C-T. GRCh37 (hg19) VCF-style: chr11-654032-C-T.
Other names: c.1298G>A, p.Gly433Asp (NM_001293634.2); c.797G>A, p.Gly266Asp (NM_001367390.1); short protein forms G266D, G433D, G508D.
Identifiers: ClinVar variation 1434290 (VCV001434290.8), dbSNP rs2133290047, ClinGen allele CA379016554.

ClinVar aggregate classification (germline): Uncertain significance (1 of 4 stars; one submission).

Allele frequency attached by ClinVar (database versions not stated): gnomAD exomes below 0.00001.
gnomAD v4.1: 2 of 1,613,692 alleles (0.00012%); highest among the groups gnomAD compares: Non-Finnish European, 0.00017%; no homozygotes.

Submission:

Labcorp Genetics (formerly Invitae), Labcorp
Classification: Uncertain significance. Last evaluated: 2023-06-18. Review status: criteria provided, single submitter. Criteria: Invitae Variant Classification Sherloc (09022015). Collection method: clinical testing. Allele origin: germline.
Comment: This sequence change replaces glycine, which is neutral and non-polar, with aspartic acid, which is acidic and polar, at codon 508 of the DEAF1 protein (p.Gly508Asp). This variant is not present in population databases (gnomAD no frequency). This variant has not been reported in the literature in individuals affected with DEAF1-related conditions. ClinVar contains an entry for this variant (Variation ID: 1434290). Advanced modeling of protein sequence and biophysical properties (such as structural, functional, and spatial information, amino acid conservation, physicochemical variation, residue mobility, and thermodynamic stability) performed at Invitae indicates that this missense variant is expected to disrupt DEAF1 protein function. In summary, the available evidence is currently insufficient to determine the role of this variant in disease. Therefore, it has been classified as a Variant of Uncertain Significance.